The following is an entry in ClinVar:

ClinVar aggregate classification (germline): Uncertain significance (1 of 4 stars; one submission).

Conditions:
Inborn genetic diseases. Identifiers: MedGen C0950123, MeSH D030342.

Submission:

Ambry Genetics
Classification: Uncertain significance for Inborn genetic diseases. Last evaluated: 2025-08-19. Review status: criteria provided, single submitter. Criteria: Ambry Variant Classification Scheme 2023. Collection method: clinical testing. Allele origin: germline.
Comment: The p.G215D variant (also known as c.644G>A), located in coding exon 5 of the SBDS gene, results from a G to A substitution at nucleotide position 644. The glycine at codon 215 is replaced by aspartic acid, an amino acid with similar properties. This amino acid position is conserved. In addition, this alteration is predicted to be deleterious by in silico analysis. Based on the available evidence, the clinical significance of this variant remains unclear.

NM_016038.4(SBDS):c.644G>A (p.Gly215Asp)

Gene: SBDS (SBDS ribosome maturation factor; minus strand). Cytogenetic location: 7q11.21.
Variant type: single nucleotide variant.
Coding change: c.644G>A on transcript NM_016038.4 (MANE Select); coding-DNA position 644, G replaced by A.
Protein change: p.Gly215Asp; replaces glycine 215 with aspartic acid.
Molecular consequence: missense variant.
Genome position (GRCh38, 1-based): chr7:66,988,480, C>T on the plus strand (G>A on the coding strand, the complement: SBDS is on the minus strand). VCF-style: chr7-66988480-C-T. GRCh37 (hg19) VCF-style: chr7-66453467-C-T.
Other names: short protein forms G215D.
Identifiers: ClinVar variation 4159827 (VCV004159827.1).